The following is an entry in ClinVar:

NM_001371623.1(TCOF1):c.2731G>C (p.Ala911Pro)

Gene: TCOF1 (treacle ribosome biogenesis factor 1; plus strand). Cytogenetic location: 5q32.
Variant type: single nucleotide variant.
Coding change: c.2731G>C on transcript NM_001371623.1 (MANE Select); coding-DNA position 2731, G replaced by C.
Protein change: p.Ala911Pro; replaces alanine 911 with proline.
Molecular consequence: missense variant.
Genome position (GRCh38, 1-based): chr5:150,379,604, G>C. VCF-style: chr5-150379604-G-C. GRCh37 (hg19) VCF-style: chr5-149759167-G-C.
Other names: c.2500G>C, p.Ala834Pro (NM_000356.4, NM_001135245.2); c.2731G>C, p.Ala911Pro (NM_001008657.3, NM_001135243.2, NM_001135244.2 and 1 more transcripts); short protein forms A834P, A911P.
Identifiers: ClinVar variation 3682711 (VCV003682711.2).

ClinVar aggregate classification (germline): Uncertain significance (1 of 4 stars; one submission).

Conditions:
Treacher Collins syndrome 1 (TCS1). Also called: TCOF1-Related Treacher Collins Syndrome. Identifiers: Orphanet 861, MedGen CN315775, MONDO:0007944, OMIM 154500.

Submission:

Labcorp Genetics (formerly Invitae), Labcorp
Classification: Uncertain significance for Treacher Collins syndrome 1. Last evaluated: 2024-11-03. Review status: criteria provided, single submitter. Criteria: Invitae Variant Classification Sherloc (09022015). Collection method: clinical testing. Allele origin: germline.
Comment: This sequence change replaces alanine, which is neutral and non-polar, with proline, which is neutral and non-polar, at codon 911 of the TCOF1 protein (p.Ala911Pro). This variant is not present in population databases (gnomAD no frequency). This variant has not been reported in the literature in individuals affected with TCOF1-related conditions. Invitae Evidence Modeling of protein sequence and biophysical properties (such as structural, functional, and spatial information, amino acid conservation, physicochemical variation, residue mobility, and thermodynamic stability) indicates that this missense variant is not expected to disrupt TCOF1 protein function with a negative predictive value of 80%. In summary, the available evidence is currently insufficient to determine the role of this variant in disease. Therefore, it has been classified as a Variant of Uncertain Significance.